The following is an entry in ClinVar:

ClinVar aggregate classification (germline): Likely pathogenic (0 of 4 stars; one submission).

Conditions:
Cleidocranial dysostosis (CLCD1). Also called: Cleidocranial Dysplasia Spectrum Disorder; cleidocranial dysplasia 1; Marie-Sainton disease. Identifiers: Orphanet 1452, MedGen C0008928, MONDO:0007340, OMIM 119600.

Submission:

Istanbul Faculty of Medicine, Istanbul University
Classification: Likely pathogenic for Cleidocranial dysplasia. Last evaluated: 2020-05-23. Review status: no assertion criteria provided. Collection method: clinical testing. Allele origin: germline. Affected: yes. Observed: 3 variant alleles.
Comment: Segregates in family

Literature cited by the submitters: PubMed 33987976.

NM_001024630.4(RUNX2):c.1088G>T (p.Gly363Val)

Gene: RUNX2 (RUNX family transcription factor 2; plus strand). Cytogenetic location: 6p21.1.
Variant type: single nucleotide variant.
Coding change: c.1088G>T on transcript NM_001024630.4 (MANE Select); coding-DNA position 1088, G replaced by T.
Protein change: p.Gly363Val; replaces glycine 363 with valine.
Molecular consequence: missense variant.
Genome position (GRCh38, 1-based): chr6:45,546,827, G>T. VCF-style: chr6-45546827-G-T. GRCh37 (hg19) VCF-style: chr6-45514564-G-T.
Other names: c.1022G>T, p.Gly341Val (NM_001015051.4); c.980G>T, p.Gly327Val (NM_001278478.2); c.1046G>T, p.Gly349Val (NM_001369405.1); short protein forms G327V, G341V, G349V, G363V.
Identifiers: ClinVar variation 916704 (VCV000916704.3), dbSNP rs1802414251, ClinGen allele CA363956472.